The following is an entry in ClinVar:

ClinVar aggregate classification (germline): Benign (0 of 4 stars; one submission).

Conditions:
MDN1-related disorder. Also called: MDN1-related condition.

Allele frequency attached by ClinVar (database versions not stated): 1000 Genomes Project 0.11562; 1000 Genomes Project 30x 0.11633; TOPMed 0.13379; gnomAD 0.14653; ESP Exome Variant Server 0.15224; ExAC 0.15268; gnomAD exomes 0.17820.
gnomAD v4.1: 281,197 of 1,613,272 alleles (17%); highest among the groups gnomAD compares: Non-Finnish European, 19%; 26,296 homozygotes.

Submission:

PreventionGenetics, part of Exact Sciences
Classification: Benign for MDN1-related condition. Last evaluated: 2019-11-11. Review status: no assertion criteria provided. Collection method: clinical testing. Allele origin: germline.
Comment: This variant is classified as benign based on ACMG/AMP sequence variant interpretation guidelines (Richards et al. 2015 PMID: 25741868, with internal and published modifications).

NM_014611.3(MDN1):c.7782T>C (p.Pro2594=)

Gene: MDN1 (midasin AAA ATPase 1; minus strand). Cytogenetic location: 6q15.
Variant type: single nucleotide variant.
Coding change: c.7782T>C on transcript NM_014611.3 (MANE Select); coding-DNA position 7782, T replaced by C.
Protein change: p.Pro2594=; no amino-acid change (proline 2594 retained).
Molecular consequence: synonymous variant.
Genome position (GRCh38, 1-based): chr6:89,708,612, A>G on the plus strand (T>C on the coding strand, the complement: MDN1 is on the minus strand). VCF-style: chr6-89708612-A-G. GRCh37 (hg19) VCF-style: chr6-90418331-A-G.
Identifiers: ClinVar variation 3055896 (VCV003055896.2), dbSNP rs55729223, ClinGen allele CA3924206.